The following is an entry in ClinVar:

NM_173354.5(SIK1):c.1291C>T (p.Pro431Ser)

Gene: SIK1 (salt inducible kinase 1; minus strand). Cytogenetic location: 21q22.3.
Variant type: single nucleotide variant.
Coding change: c.1291C>T on transcript NM_173354.5 (MANE Select); coding-DNA position 1291, C replaced by T.
Protein change: p.Pro431Ser; replaces proline 431 with serine.
Molecular consequence: missense variant.
Genome position (GRCh38, 1-based): chr21:43,419,192, G>A on the plus strand (C>T on the coding strand, the complement: SIK1 is on the minus strand). VCF-style: chr21-43419192-G-A. GRCh37 (hg19) VCF-style: chr21-44839072-G-A.
Other names: short protein forms P431S.
Identifiers: ClinVar variation 2412863 (VCV002412863.3), dbSNP rs2516965878, ClinGen allele CA410608311.

ClinVar aggregate classification (germline): Uncertain significance (1 of 4 stars; one submission).

Submission:

GeneDx
Classification: Uncertain significance. Last evaluated: 2022-07-27. Review status: criteria provided, single submitter. Criteria: GeneDx Variant Classification Process June 2021. Collection method: clinical testing. Allele origin: germline. Affected: yes.
Comment: Not observed at significant frequency in large population cohorts (gnomAD); In silico analysis supports that this missense variant does not alter protein structure/function; Has not been previously published as pathogenic or benign to our knowledge